The following is an entry in ClinVar:

ClinVar aggregate classification (germline): Likely benign (1 of 4 stars; one submission).

Conditions:
TTN-related disorder. Also called: TTN-related disorders; TTN-related condition; TTN-related disease.

Submission:

PreventionGenetics, part of Exact Sciences
Classification: Likely benign for TTN-related condition. Last evaluated: 2025-03-13. Review status: criteria provided, single submitter. Criteria: ACMG Guidelines, 2015. Collection method: clinical testing. Allele origin: germline.
Comment: This variant is classified as likely benign based on ACMG/AMP sequence variant interpretation guidelines (Richards et al. 2015 PMID: 25741868, with internal and published modifications).

NM_001267550.2(TTN):c.97193-21T>C

Genes: TTN (titin; minus strand), TTN-AS1 (TTN antisense RNA 1; plus strand). Cytogenetic location: 2q31.2.
Variant type: single nucleotide variant.
Coding change: c.97193-21T>C on transcript NM_001267550.2 (MANE Select); 21 bases into the intron before coding-DNA position 97193, T replaced by C.
Molecular consequence: intron variant.
Genome position (GRCh38, 1-based): chr2:178,542,584, A>G on the plus strand (T>C on the coding strand, the complement: TTN is on the minus strand). VCF-style: chr2-178542584-A-G. GRCh37 (hg19) VCF-style: chr2-179407311-A-G.
Other names: c.69998-21T>C (NM_003319.4); c.70574-21T>C (NM_133437.4); c.70373-21T>C (NM_133432.3); c.89489-21T>C (NM_133378.4); c.92270-21T>C (NM_001256850.1).
Identifiers: ClinVar variation 4989386 (VCV004989386.1).
Genomic context (GRCh38, chr2:178,542,584, plus strand): 5'-TCATCAATCTTAATAGGTCCTGTTGGTGGACCAGGCTTGTCTATGAAAGAGAAGAAATAC[A>G]GGAAATTAATTTTTACTTCAAATCAAAATTGGGTGACTGAACATCAACTTGCTTGTATCT-3'